The following is an entry in ClinVar:

ClinVar aggregate classification (germline): Uncertain significance (1 of 4 stars; one submission).

Conditions:
Cardiomyopathy (CMYO). Also called: Cardiomyopathies. Identifiers: Orphanet 167848, MedGen C0878544, MONDO:0004994, HP:0001638. Inheritance: Various modes of inheritance.

Submission:

Color Diagnostics, LLC DBA Color Health
Classification: Uncertain significance for Cardiomyopathy. Last evaluated: 2023-08-28. Review status: criteria provided, single submitter. Criteria: ACMG Guidelines, 2015. Collection method: clinical testing. Allele origin: germline.
Comment: This variant replaces two consecutive amino acids (Asp4800, Thr4801) with an alanine residue in exon 100 of the RYR2 protein. To our knowledge, functional studies have not been reported for this variant. This variant has not been reported in individuals affected with RYR2-related disorders in the literature. This variant has not been identified in the general population by the Genome Aggregation Database (gnomAD). The available evidence is insufficient to determine the role of this variant in disease conclusively. Therefore, this variant is classified as a Variant of Uncertain Significance.

NM_001035.3(RYR2):c.14399_14401del (p.Asp4800_Thr4801delinsAla)

Gene: RYR2 (ryanodine receptor 2; plus strand). Cytogenetic location: 1q43.
Variant type: Deletion.
Coding change: c.14399_14401del on transcript NM_001035.3 (MANE Select); coding-DNA positions 14399 to 14401, 3 bases deleted (ATA; older notation c.14399_14401delATA).
Protein change: p.Asp4800_Thr4801delinsAla.
Molecular consequence: inframe indel.
Genome position (GRCh38, 1-based): chr1:237,809,001-237,809,003, ATA deleted. VCF-style (leftmost placement, unchanged base first): chr1-237809000-GATA-G. GRCh37 (hg19) VCF-style: chr1-237972300-GATA-G.
Identifiers: ClinVar variation 2774423 (VCV002774423.2), dbSNP rs2528175495, ClinGen allele CA2697547705.
Genomic context (GRCh38, chr1:237,809,000, plus strand): 5'-CTATACACTGTGGTGGCATTCAATTTTTTCCGAAAATTCTACAATAAAAGTGAAGATGGT[GATA>G]CACCAGATATGAAATGTGACGATATGCTAACAGTAAGTTCATAACCTTTGATCTCACATA-3'